The following continues an entry in ClinVar:

NM_000035.4(ALDOB):c.1005C>G (p.Asn335Lys)

Gene: ALDOB. ClinVar aggregate classification (germline): Pathogenic. Pathogenic (17).

Submissions 15 to 23 of 23:

Centre for Mendelian Genomics, University Medical Centre Ljubljana
Classification: Pathogenic for Hereditary fructosuria. Last evaluated: 2019-03-12. Review status: criteria provided, single submitter. Criteria: ACMG Guidelines, 2015. Collection method: clinical testing. Allele origin: unknown. Affected: yes.
Comment: This variant was classified as: Pathogenic. The following ACMG criteria were applied in classifying this variant: PS1,PS3,PM2,PM3,PP3.

Eurofins Ntd Llc (ga)
Classification: Pathogenic. Last evaluated: 2018-02-06. Review status: criteria provided, single submitter. Criteria: EGL Classification Definitions 2015. Collection method: clinical testing. Allele origin: germline. Observed: 2 variant alleles, 2 heterozygotes.

Women's Health and Genetics/Laboratory Corporation of America, LabCorp
Classification: Pathogenic for Hereditary fructosuria. Last evaluated: 2017-11-20. Review status: criteria provided, single submitter. Criteria: LabCorp Variant Classification Summary - May 2015. Collection method: clinical testing. Allele origin: germline.
Comment: Variant summary: The ALDOB c.1005C>G (p.Asn335Lys) variant involves the alteration of a non-conserved nucleotide that 5/5 in silico tools predict to have a damaging outcome. This variant was found in 32/278824 control chromosomes at a frequency of 0.0001148, which does not exceed the estimated maximal expected allele frequency of a pathogenic ALDOB variant (0.0044721). The variant has been identified in numerous HFI patients as both a compound heterozygous and homozygous allele (Coffee_2010; Santer_2005). In addition, a functional study showed that the variant enzyme activity and catalytic effiency were severely reduced compared to WT controls (Esposito_2002). Multiple clinical diagnostic laboratories/reputable databases classified this variant as pathogenic. Taken together, this variant is classified as pathogenic.

PreventionGenetics, part of Exact Sciences
Classification: Pathogenic for ALDOB-related condition. Last evaluated: 2024-09-13. Review status: no assertion criteria provided. Collection method: clinical testing. Allele origin: germline. Not counted in ClinVar's aggregate classification.
Comment: The ALDOB c.1005C>G variant is predicted to result in the amino acid substitution p.Asn335Lys. This variant (sometimes referred to as N334K in the literature) is commonly reported to be causative for hereditary fructose intolerance (Cross et al. 1990. PubMed ID 2336380; Santer et al. 2005. PubMed ID 15880727; Davit-Spraul et al. 2008. PubMed ID 18541450). This variant is reported in 0.024% of alleles in individuals of European (Non-Finnish) descent in gnomAD. This variant is interpreted as pathogenic.

ATS em Genética Clínica, Universidade Federal do Rio Grande do Sul
Classification: Pathogenic for Hereditary fructosuria. Last evaluated: 2021-03-18. Review status: no assertion criteria provided. Collection method: literature only. Allele origin: unknown. Affected: yes. Not counted in ClinVar's aggregate classification.

OMIM
Classification: Pathogenic for FRUCTOSE INTOLERANCE, HEREDITARY. Last evaluated: 2008-08-01. Review status: no assertion criteria provided. Collection method: literature only. Allele origin: germline. Not counted in ClinVar's aggregate classification.

Department of Pathology and Laboratory Medicine, Sinai Health System
Classification: Pathogenic. Review status: no assertion criteria provided. Collection method: clinical testing. Allele origin: unknown. Affected: yes. Study: The Canadian Open Genetics Repository (COGR). Not counted in ClinVar's aggregate classification.
Comment: The ALDOB p.N335K variant was identified in > 15 individuals with hereditary fructose intolerance as a homozygous or compound heterozygous variant (Santer_2005_PMID:15880727; Esposito_2010_PMID:20848650; Davit-Spraul_2008_PMID:18541450; Ferri_2012_PMID:23430936; SâˆšÂ°nchez-GutiâˆšÂ©rrez_2002_PMID:12417303; Sebastio_1991_PMID:1856829; Coffee_2010_PMID:20882353; Coffee_2010_PMID:20033295). The variant was identified in dbSNP (ID: rs78340951) and ClinVar (classified as pathogenic by Counsyl, EGL Genetic Diagnostics and three other submitters, and as likely pathogenic by Invitae). The variant was identified in control databases in 34 of 280458 chromosomes at a frequency of 0.0001212 (Genome Aggregation Database March 6, 2019, v2.1.1). The variant was observed in the following populations: European (non-Finnish) in 31 of 127538 chromosomes (freq: 0.000243) and Latino in 3 of 35264 chromosomes (freq: 0.000085), but was not observed in the African, Ashkenazi Jewish, East Asian, European (Finnish), Other, or South Asian populations. The p.N335 residue is conserved in mammals and computational analyses (PolyPhen-2, SIFT, AlignGVGD, BLOSUM, MutationTaster) provide inconsistent predictions regarding the impact to the protein; this information is not very predictive of pathogenicity. The variant occurs outside of the splicing consensus sequence and in silico or computational prediction software programs (SpliceSiteFinder, MaxEntScan, NNSPLICE, GeneSplicer) do not predict a difference in splicing. The p.N335K variant was found to result in significantly reduced enzyme activity (Esposito_2002_PMID:12417303). In summary, based on the above information this variant meets our laboratoryâ€šÃ„Ã´s criteria to be classified as pathogenic.

GeneReviews
No classification provided. Condition: Hereditary fructosuria. Review status: no classification provided. Collection method: literature only. Allele origin: germline. Not counted in ClinVar's aggregate classification.
Comment: One of the six most common HFI variants in US and European populations including Turkey, Spain, Central Europe, France, US, and Italy

HFI Laboratory at Boston University, Boston University
Classification: Pathogenic for Hereditary fructosuria. Review status: no assertion criteria provided. Collection method: clinical testing. Allele origin: germline. Not counted in ClinVar's aggregate classification.

Literature cited by the submitters: PubMed 36384942 (cited by Victorian Clinical Genetics Services, Murdoch Childrens Research Institute); PubMed 30833214 (cited by Victorian Clinical Genetics Services, Murdoch Childrens Research Institute); PubMed 15880727 (cited by 8 submitters); PubMed 12417303 (cited by 4 submitters); PubMed 1856829 (cited by Labcorp Genetics (formerly Invitae), Labcorp and OMIM); PubMed 2336380 (cited by 6 submitters); PubMed 12205126 (cited by 3 submitters); PubMed 18541450 (cited by 5 submitters); PubMed 19768653 (cited by Labcorp Genetics (formerly Invitae), Labcorp and 3billion); PubMed 23430936 (cited by 3 submitters); PubMed 34162028 (cited by Natera, Inc.); PubMed 36028839 (cited by Natera, Inc. and Dasa); PubMed 20033295 (cited by 3 submitters); PubMed 8541450 (cited by Myriad Genetics, Inc.); PubMed 20882353 (cited by Women's Health and Genetics/Laboratory Corporation of America, LabCorp); PubMed 11757579 (cited by GeneReviews).